The following is an entry in ClinVar:

NM_001378454.1(ALMS1):c.6006_6009dup (p.Pro2004fs)

Gene: ALMS1 (ALMS1 centrosome and basal body associated protein; plus strand). Cytogenetic location: 2p13.1.
Variant type: Microsatellite.
Coding change: c.6006_6009dup on transcript NM_001378454.1 (MANE Select); coding-DNA positions 6006 to 6009, 4 bases duplicated (TATA; older notation c.6006_6009dupTATA).
Protein change: p.Pro2004fs; shifts the reading frame from proline 2004.
Molecular consequence: frameshift variant.
Genome position (GRCh38, 1-based): chr2:73,452,533-73,452,536, TATA duplicated; duplicating any 4 consecutive bases within chr2:73,452,532-73,452,536 gives the same sequence; the c. name uses the placement nearest the transcript's 3' end. VCF-style (leftmost placement, unchanged base first): chr2-73452531-C-CATAT. GRCh37 (hg19) VCF-style: chr2-73679658-C-CATAT.
Other names: c.6009_6012dupTATA (NM_015120.4); c.6009_6012dup, p.Pro2005fs (NM_015120.4); short protein forms P2004fs, P2005fs.
Identifiers: ClinVar variation 4815796 (VCV004815796.1).
Genomic context (GRCh38, chr2:73,452,531, plus strand): 5'-ATAGGACTGTCTAGTTCCTACTCACATTCACATAAAGAGAAACTCAAGATTTCAACTGTG[C>CATAT]ATATACCAGATGACCAGAAAACTGAGTTTCCAGCAGCTACCCTTAGTTCCTACTCACAAA-3'

ClinVar aggregate classification (germline): Likely pathogenic (1 of 4 stars; one submission).

Conditions:
Alstrom syndrome (ALMS). Identifiers: Orphanet 64, MedGen C0268425, MONDO:0008763, OMIM 203800.

Submission:

Natera, Inc.
Classification: Likely pathogenic for Alstrom syndrome. Last evaluated: 2024-07-10. Review status: criteria provided, single submitter. Criteria: Natera Variant Classification Schema (03/2026). Collection method: clinical testing. Allele origin: germline.
Comment: The c.6009_6012dupTATA variant in ALMS1 is a frameshift variant predicted to shift the reading frame beginning at codon 2005 and leads to a stop codon 4 codons downstream. This variant is expected to result in nonsense mediated decay, truncation, or a dysfunctional protein product. This variant is rare in the general population with a frequency below the threshold expected for the associated phenotype(s). Given the available evidence, this variant is classified as Likely Pathogenic.